The following is an entry in ClinVar:

ClinVar aggregate classification (germline): Uncertain significance (1 of 4 stars; one submission).

gnomAD v4.1: 5 of 1,614,028 alleles (0.00031%); highest among the groups gnomAD compares: Non-Finnish European, 0.00042%; no homozygotes.

Submission:

GeneDx
Classification: Uncertain significance. Last evaluated: 2022-11-18. Review status: criteria provided, single submitter. Criteria: GeneDx Variant Classification Process June 2021. Collection method: clinical testing. Allele origin: germline. Affected: yes.
Comment: In silico analysis supports that this missense variant has a deleterious effect on protein structure/function; Has not been previously published as pathogenic or benign to our knowledge

NM_014491.4(FOXP2):c.295A>T (p.Ile99Phe)

Gene: FOXP2 (forkhead box P2; plus strand). Cytogenetic location: 7q31.1.
Variant type: single nucleotide variant.
Coding change: c.295A>T on transcript NM_014491.4 (MANE Select); coding-DNA position 295, A replaced by T.
Protein change: p.Ile99Phe; replaces isoleucine 99 with phenylalanine.
Molecular consequence: missense variant. On other transcripts: non-coding transcript variant (2).
Genome position (GRCh38, 1-based): chr7:114,628,576, A>T. VCF-style: chr7-114628576-A-T. GRCh37 (hg19) VCF-style: chr7-114268631-A-T.
Other names: c.295A>T, p.Ile99Phe (NM_001172766.3, NM_148899.3, NM_148900.4); c.370A>T, p.Ile124Phe (NM_001172767.2, NM_148898.4); c.-1106A>T (NM_001172777.1); short protein forms I124F, I99F.
Identifiers: ClinVar variation 2502819 (VCV002502819.1), dbSNP rs1347150082, ClinGen allele CA368961090.